The following is an entry in ClinVar:

ClinVar aggregate classification (germline): Uncertain significance. Review status: criteria provided, multiple submitters, no conflicts (2 of 4 stars). 2 submissions from 2 submitters: Uncertain significance (2). Last evaluated 2023-08-22.

Conditions:
Multiple endocrine neoplasia, type 2 (MEN2). Identifiers: Orphanet 653, MedGen C4048306, MONDO:0019003. Disease mechanism: gain of function.
Hereditary cancer-predisposing syndrome. Also called: Tumor predisposition; Hereditary Cancer Syndrome; Hereditary neoplastic syndrome; Neoplastic Syndromes, Hereditary. Identifiers: Orphanet 140162, MedGen C0027672, MeSH D009386, MONDO:0015356.

Submissions (2):

Ambry Genetics
Classification: Uncertain significance for Hereditary cancer-predisposing syndrome. Last evaluated: 2023-08-22. Review status: criteria provided, single submitter. Criteria: Ambry Variant Classification Scheme 2023. Collection method: clinical testing. Allele origin: germline.
Comment: The p.F272C variant (also known as c.815T>G), located in coding exon 4 of the RET gene, results from a T to G substitution at nucleotide position 815. The phenylalanine at codon 272 is replaced by cysteine, an amino acid with highly dissimilar properties. This amino acid position is not well conserved in available vertebrate species. In addition, this alteration is predicted to be tolerated by in silico analysis. Since supporting evidence is limited at this time, the clinical significance of this alteration remains unclear.

Labcorp Genetics (formerly Invitae), Labcorp
Classification: Uncertain significance for Multiple endocrine neoplasia, type 2. Last evaluated: 2023-02-06. Review status: criteria provided, single submitter. Criteria: Invitae Variant Classification Sherloc (09022015). Collection method: clinical testing. Allele origin: germline.
Comment: This sequence change replaces phenylalanine, which is neutral and non-polar, with cysteine, which is neutral and slightly polar, at codon 272 of the RET protein (p.Phe272Cys). This variant is not present in population databases (gnomAD no frequency). This variant has not been reported in the literature in individuals affected with RET-related conditions. Algorithms developed to predict the effect of missense changes on protein structure and function are either unavailable or do not agree on the potential impact of this missense change (SIFT: "Deleterious"; PolyPhen-2: "Benign"; Align-GVGD: "Class C0"). In summary, the available evidence is currently insufficient to determine the role of this variant in disease. Therefore, it has been classified as a Variant of Uncertain Significance.

NM_020975.6(RET):c.815T>G (p.Phe272Cys)

Gene: RET (ret proto-oncogene; plus strand). Cytogenetic location: 10q11.21.
Variant type: single nucleotide variant.
Coding change: c.815T>G on transcript NM_020975.6 (MANE Select); coding-DNA position 815, T replaced by G.
Protein change: p.Phe272Cys; replaces phenylalanine 272 with cysteine.
Molecular consequence: missense variant.
Genome position (GRCh38, 1-based): chr10:43,105,141, T>G. VCF-style: chr10-43105141-T-G. GRCh37 (hg19) VCF-style: chr10-43600589-T-G.
Other names: c.815T>G, p.Phe272Cys (NM_000323.2, NM_001406743.1, NM_001406744.1 and 8 more transcripts); c.53T>G, p.Phe18Cys (NM_001355216.2); c.686T>G, p.Phe229Cys (NM_001406761.1, NM_001406762.1, NM_001406764.1 and 2 more transcripts); c.527T>G, p.Phe176Cys (NM_001406766.1, NM_001406767.1, NM_001406770.1); short protein forms F229C, F18C, F272C, F176C.
Identifiers: ClinVar variation 1970597 (VCV001970597.7), dbSNP rs2132708113, ClinGen allele CA376545182.